The following is an entry in ClinVar:

NM_000548.5(TSC2):c.3565C>G (p.Leu1189Val)

Gene: TSC2 (TSC complex subunit 2; plus strand). Cytogenetic location: 16p13.3.
Variant type: single nucleotide variant.
Coding change: c.3565C>G on transcript NM_000548.5 (MANE Select); coding-DNA position 3565, C replaced by G.
Protein change: p.Leu1189Val; replaces leucine 1189 with valine.
Molecular consequence: missense variant.
Genome position (GRCh38, 1-based): chr16:2,080,332, C>G. VCF-style: chr16-2080332-C-G. GRCh37 (hg19) VCF-style: chr16-2130333-C-G.
Other names: p.L1189V:CTG>GTG; c.3433C>G, p.Leu1145Val (NM_001077183.3, NM_001370404.1); c.3565C>G, p.Leu1189Val (NM_001114382.3); c.3325C>G, p.Leu1109Val (NM_001318827.2); c.3289C>G, p.Leu1097Val (NM_001318829.2); c.2833C>G, p.Leu945Val (NM_001318831.2); c.3466C>G, p.Leu1156Val (NM_001318832.2); c.3436C>G, p.Leu1146Val (NM_001363528.2, NM_001370405.1, NM_021055.3); short protein forms L1189V, L1146V, L945V, L1097V, L1145V, L1109V, L1156V.
Identifiers: ClinVar variation 207678 (VCV000207678.21), dbSNP rs796053476, ClinGen allele CA319374.
Genomic context (GRCh38, chr16:2,080,332, plus strand): 5'-GCCTCAGCTGGCACCCGGGTTCCTGTGCAGGAGAAGACGAACCTGGCGGCCTATGTGCCC[C>G]TGCTGACCCAGGGCTGGGCGGAGATCCTGGTCCGGAGGCCCACAGGTACTGGGCGGGGCT-3'
Protein context (NP_000539.2, residues 1179-1199): EKTNLAAYVP[Leu1189Val]LTQGWAEILV

ClinVar aggregate classification (germline): Conflicting classifications of pathogenicity. Review status: criteria provided, conflicting classifications (1 of 4 stars). 5 submissions from 5 submitters: Uncertain significance (2); Benign (1); Likely benign (2). Last evaluated 2025-10-07.

Conditions:
Tuberous sclerosis 2 (TSC2). Identifiers: Orphanet 805, MedGen C1860707, MONDO:0013199, OMIM 613254.
Hereditary cancer-predisposing syndrome. Also called: Neoplastic Syndromes, Hereditary; Hereditary Cancer Syndrome; Tumor predisposition; Hereditary neoplastic syndrome. Identifiers: Orphanet 140162, MedGen C0027672, MeSH D009386, MONDO:0015356.
Tuberous sclerosis syndrome (TSC). Also called: Tuberous Sclerosis Complex; Tuberous sclerosis. Identifiers: Orphanet 805, MedGen C0041341, MONDO:0001734.

gnomAD v4.1: 1 of 1,612,694 alleles (0.000062%); no homozygotes.

Submissions (5):

Color Diagnostics, LLC DBA Color Health
Classification: Uncertain significance for Tuberous sclerosis syndrome. Last evaluated: 2025-10-07. Review status: criteria provided, single submitter. Criteria: ACMG Guidelines, 2015. Collection method: clinical testing. Allele origin: germline.
Comment: This missense variant replaces leucine with valine at codon 1189 of the TSC2 protein. Computational prediction is inconclusive regarding the impact of this variant on protein structure and function. To our knowledge, functional studies have not been reported for this variant. This variant has not been reported in individuals affected with TSC2-related disorders in the literature. This variant has been identified in 1/1460348 chromosomes in the general population by the Genome Aggregation Database (gnomAD). The available evidence is insufficient to determine the role of this variant in disease conclusively. Therefore, this variant is classified as a Variant of Uncertain Significance.

Labcorp Genetics (formerly Invitae), Labcorp
Classification: Benign for Tuberous sclerosis 2. Last evaluated: 2025-07-31. Review status: criteria provided, single submitter. Criteria: Invitae Variant Classification Sherloc (09022015). Collection method: clinical testing. Allele origin: germline.

Ambry Genetics
Classification: Uncertain significance for Hereditary cancer-predisposing syndrome. Last evaluated: 2025-06-21. Review status: criteria provided, single submitter. Criteria: Ambry Variant Classification Scheme 2023. Collection method: clinical testing. Allele origin: germline.
Comment: The p.L1189V variant (also known as c.3565C>G), located in coding exon 29 of the TSC2 gene, results from a C to G substitution at nucleotide position 3565. The leucine at codon 1189 is replaced by valine, an amino acid with highly similar properties. This amino acid position is highly conserved through mammals but not in all available vertebrate species. In addition, the in silico prediction for this alteration is inconclusive. Since supporting evidence is limited at this time, the clinical significance of this alteration remains unclear.

Genome-Nilou Lab
Classification: Likely benign for Tuberous sclerosis 2. Last evaluated: 2021-11-07. Review status: criteria provided, single submitter. Criteria: ACMG Guidelines, 2015. Collection method: clinical testing. Allele origin: germline. Affected: no.

GeneDx
Classification: Likely benign. Last evaluated: 2019-08-02. Review status: criteria provided, single submitter. Criteria: GeneDx Variant Classification Process June 2021. Collection method: clinical testing. Allele origin: germline. Affected: yes.
Comment: Not observed in large population cohorts (Lek et al., 2016); In silico analysis, which includes protein predictors and evolutionary conservation, supports that this variant does not alter protein structure/function; Has not been previously published as pathogenic or benign to our knowledge